The following is an entry in ClinVar:

ClinVar aggregate classification (germline): Uncertain significance (1 of 4 stars; one submission).

Conditions:
Candidiasis, familial, 6 (CANDF6). Also called: Candidiasis, familial, 6, autosomal dominant. Identifiers: Orphanet 1334, MedGen C3151405, MONDO:0013503, OMIM 613956.

gnomAD v4.1: 2 of 1,614,246 alleles (0.00012%); highest among the groups gnomAD compares: Non-Finnish European, 0.00017%; no homozygotes.

Submission:

Labcorp Genetics (formerly Invitae), Labcorp
Classification: Uncertain significance for Candidiasis, familial, 6. Last evaluated: 2025-05-24. Review status: criteria provided, single submitter. Criteria: Invitae Variant Classification Sherloc (09022015). Collection method: clinical testing. Allele origin: germline.
Comment: This sequence change creates a premature translational stop signal (p.Gln124*) in the IL17F gene. While this is not anticipated to result in nonsense mediated decay, it is expected to disrupt the last 40 amino acid(s) of the IL17F protein. This variant is not present in population databases (gnomAD no frequency). This premature translational stop signal has been observed in individual(s) with immunodeficiency (PMID: 35874679). Experimental studies and prediction algorithms are not available or were not evaluated, and the functional significance of this variant is currently unknown. In summary, the available evidence is currently insufficient to determine the role of this variant in disease. Therefore, it has been classified as a Variant of Uncertain Significance.

Literature cited by the submitters: PubMed 35874679.

NM_052872.4(IL17F):c.370C>T (p.Gln124Ter)

Gene: IL17F (interleukin 17F; minus strand). Cytogenetic location: 6p12.2.
Variant type: single nucleotide variant.
Coding change: c.370C>T on transcript NM_052872.4 (MANE Select); coding-DNA position 370, C replaced by T.
Protein change: p.Gln124Ter; replaces glutamine 124 with a stop codon.
Molecular consequence: nonsense.
Genome position (GRCh38, 1-based): chr6:52,237,053, G>A on the plus strand (C>T on the coding strand, the complement: IL17F is on the minus strand). VCF-style: chr6-52237053-G-A. GRCh37 (hg19) VCF-style: chr6-52101851-G-A.
Other names: short protein forms Q124*.
Identifiers: ClinVar variation 4812308 (VCV004812308.1).